The following is an entry in ClinVar:

ClinVar aggregate classification (germline): Likely benign (1 of 4 stars; one submission).

gnomAD v4.1: 181 of 1,612,990 alleles (0.011%); highest among the groups gnomAD compares: Middle Eastern, 0.016%; 1 homozygote.

Submission:

CeGaT Center for Human Genetics Tuebingen
Classification: Likely benign. Last evaluated: 2024-07-01. Review status: criteria provided, single submitter. Criteria: CeGaT Center For Human Genetics Tuebingen Variant Classification Criteria Version 2. Collection method: clinical testing. Allele origin: germline. Affected: yes. Observed: 1 variant allele.
Comment: SREBF1: BP4, BP7

NM_004176.5(SREBF1):c.1734C>T (p.Pro578=)

Gene: SREBF1 (sterol regulatory element binding transcription factor 1; minus strand). Cytogenetic location: 17p11.2.
Variant type: single nucleotide variant.
Coding change: c.1734C>T on transcript NM_004176.5 (MANE Select); coding-DNA position 1734, C replaced by T.
Protein change: p.Pro578=; no amino-acid change (proline 578 retained).
Molecular consequence: synonymous variant. On other transcripts: non-coding transcript variant (4), intron variant (1).
Genome position (GRCh38, 1-based): chr17:17,817,009, G>A on the plus strand (C>T on the coding strand, the complement: SREBF1 is on the minus strand). VCF-style: chr17-17817009-G-A. GRCh37 (hg19) VCF-style: chr17-17720323-G-A.
Other names: c.1662C>T, p.Pro554= (NM_001321096.3); c.1734C>T, p.Pro578= (NM_001388385.1, NM_001388386.1); c.1773C>T, p.Pro591= (NM_001388387.1); c.1689C>T, p.Pro563= (NM_001388388.1); c.1728C>T, p.Pro576= (NM_001388389.1); c.1716C>T, p.Pro572= (NM_001388390.1); c.1707C>T, p.Pro569= (NM_001388391.1); c.1512C>T, p.Pro504= (NM_001388392.1); and 3 more.
Identifiers: ClinVar variation 3257593 (VCV003257593.17).